The following is an entry in ClinVar:

ClinVar aggregate classification (germline): Likely benign. Review status: criteria provided, multiple submitters, no conflicts (2 of 4 stars). 3 submissions from 3 submitters: Likely benign (3). Last evaluated 2026-06-01.

Allele frequency attached by ClinVar (database versions not stated): gnomAD 0.00003; TOPMed 0.00004; ESP Exome Variant Server 0.00008; 1000 Genomes Project 30x 0.00047; gnomAD exomes 0.00059; 1000 Genomes Project 0.00060.
gnomAD v4.1: 490 of 1,613,948 alleles (0.03%); highest among the groups gnomAD compares: South Asian, 0.43%; 5 homozygotes.

Submissions (3):

CeGaT Center for Human Genetics Tuebingen
Classification: Likely benign. Last evaluated: 2026-06-01. Review status: criteria provided, single submitter. Criteria: CeGaT Center For Human Genetics Tuebingen Variant Classification Criteria Version 2. Collection method: clinical testing. Allele origin: germline. Affected: yes. Observed: 1 variant allele.
Comment: IL27RA: BP4, BS2

Labcorp Genetics (formerly Invitae), Labcorp
Classification: Likely benign. Last evaluated: 2019-12-31. Review status: criteria provided, single submitter. Criteria: Invitae Variant Classification Sherloc (09022015). Collection method: clinical testing. Allele origin: germline.

Breakthrough Genomics
Classification: Likely benign. Review status: criteria provided, single submitter. Criteria: ACMG Guidelines, 2015. Collection method: not provided. Allele origin: germline. Inheritance: Unknown mechanism. Affected: yes.

NM_004843.4(IL27RA):c.1205C>T (p.Ala402Val)

Gene: IL27RA (interleukin 27 receptor subunit alpha; plus strand). Cytogenetic location: 19p13.12.
Variant type: single nucleotide variant.
Coding change: c.1205C>T on transcript NM_004843.4 (MANE Select); coding-DNA position 1205, C replaced by T.
Protein change: p.Ala402Val; replaces alanine 402 with valine.
Molecular consequence: missense variant.
Genome position (GRCh38, 1-based): chr19:14,049,044, C>T. VCF-style: chr19-14049044-C-T. GRCh37 (hg19) VCF-style: chr19-14159856-C-T.
Other names: short protein forms A402V.
Identifiers: ClinVar variation 799189 (VCV000799189.7), dbSNP rs200162447, ClinGen allele CA9248182.